The following is an entry in ClinVar:

NM_004990.4(MARS1):c.2481G>A (p.Lys827=)

Gene: MARS1 (methionyl-tRNA synthetase 1; plus strand). Cytogenetic location: 12q13.3.
Variant type: single nucleotide variant.
Coding change: c.2481G>A on transcript NM_004990.4 (MANE Select); coding-DNA position 2481, G replaced by A.
Protein change: p.Lys827=; no amino-acid change (lysine 827 retained).
Molecular consequence: synonymous variant.
Genome position (GRCh38, 1-based): chr12:57,516,262, G>A. VCF-style: chr12-57516262-G-A. GRCh37 (hg19) VCF-style: chr12-57910045-G-A.
Identifiers: ClinVar variation 2937436 (VCV002937436.25), dbSNP rs535321437, ClinGen allele CA6650865.

ClinVar aggregate classification (germline): Likely benign. Review status: criteria provided, multiple submitters, no conflicts (2 of 4 stars). 2 submissions from 2 submitters: Likely benign (2). Last evaluated 2024-05-01.

Conditions:
Charcot-Marie-Tooth disease axonal type 2U. Also called: CHARCOT-MARIE-TOOTH NEUROPATHY, TYPE 2U; CHARCOT-MARIE-TOOTH DISEASE, AXONAL, AUTOSOMAL DOMINANT, TYPE 2U. Identifiers: Orphanet 397735, MedGen C4084821, MONDO:0014566, OMIM 616280.
Severe early-onset pulmonary alveolar proteinosis due to MARS deficiency. Also called: PULMONARY ALVEOLAR PROTEINOSIS, REUNION ISLAND; Interstitial lung and liver disease. Identifiers: Orphanet 440427, MedGen C4225400, MONDO:0014206, OMIM 615486.

Allele frequency attached by ClinVar (database versions not stated): TOPMed 0.00001; gnomAD 0.00005; gnomAD exomes 0.00008; ExAC 0.00014; 1000 Genomes Project 30x 0.00016; 1000 Genomes Project 0.00020.
gnomAD v4.1: 122 of 1,614,208 alleles (0.0076%); highest among the groups gnomAD compares: South Asian, 0.13%; 1 homozygote.

Submissions (2):

CeGaT Center for Human Genetics Tuebingen
Classification: Likely benign. Last evaluated: 2024-05-01. Review status: criteria provided, single submitter. Criteria: CeGaT Center For Human Genetics Tuebingen Variant Classification Criteria Version 2. Collection method: clinical testing. Allele origin: germline. Affected: yes. Observed: 2 variant alleles.
Comment: MARS1: BP4, BP7

Labcorp Genetics (formerly Invitae), Labcorp
Classification: Likely benign for Charcot-Marie-Tooth disease axonal type 2U; Severe early-onset pulmonary alveolar proteinosis due to MARS deficiency. Last evaluated: 2023-01-14. Review status: criteria provided, single submitter. Criteria: Invitae Variant Classification Sherloc (09022015). Collection method: clinical testing. Allele origin: germline.